The following is an entry in ClinVar:

NM_000426.4(LAMA2):c.397-13_398del

Gene: LAMA2 (laminin subunit alpha 2; plus strand). Cytogenetic location: 6q22.33.
Variant type: Deletion.
Coding change: c.397-13_398del on transcript NM_000426.4 (MANE Select); 13 bases into the intron before coding-DNA position 397 through coding-DNA position 398, 15 bases deleted (TATACTTCCCTAGGT).
Molecular consequence: splice acceptor variant.
Genome position (GRCh38, 1-based): chr6:129,098,160-129,098,174, TATACTTCCCTAGGT deleted; deleting any 15 consecutive bases within chr6:129,098,158-129,098,174 gives the same sequence; the c. name uses the placement nearest the transcript's 3' end. VCF-style (leftmost placement, unchanged base first): chr6-129098157-TGTTATACTTCCCTAG-T. GRCh37 (hg19) VCF-style: chr6-129419302-TGTTATACTTCCCTAG-T.
Other names: c.397-13_398del (NM_001079823.2).
Identifiers: ClinVar variation 5003266 (VCV005003266.1).

ClinVar aggregate classification (germline): Pathogenic (1 of 4 stars; one submission).

Conditions:
LAMA2-related muscular dystrophy (LAMA2-RD). Also called: Laminin alpha 2-related dystrophy. Identifiers: MedGen C5679788, MONDO:0100228.

Submission:

Myriad Genetics, Inc.
Classification: Pathogenic for LAMA2-related muscular dystrophy. Last evaluated: 2026-07-23. Review status: criteria provided, single submitter. Criteria: Myriad Autosomal Dominant, Autosomal Recessive and X-Linked Classification Criteria (2023). Collection method: clinical testing. Allele origin: unknown.
Comment: NM_000426.3(LAMA2):c.397-13_398del15 is a variant in a canonical splice site classified as pathogenic in the context of muscular dystrophy, LAMA2-related. c.397-13_398del15 has been observed in cases with relevant disease (PMID: 21953594, 34559299). Relevant functional assessments of this variant are not available in the literature. c.397-13_398del15 has not been observed in referenced population frequency databases. In summary, NM_000426.3(LAMA2):c.397-13_398del15 is a variant in a canonical splice site that has been observed more frequently in cases with the relevant disease than in healthy populations. Please note: this variant was assessed in the context of healthy population screening.

Literature cited by the submitters: PubMed 21953594; PubMed 34559299.